The following is an entry in ClinVar:

ClinVar aggregate classification (germline): Likely benign. Review status: criteria provided, single submitter (1 of 4 stars). 2 submissions from 2 submitters: Likely benign (1). 1 of the submissions does not count toward it. Last evaluated 2025-12-01.

Conditions:
C1S-related disorder. Also called: C1S-related condition.

Allele frequency attached by ClinVar (database versions not stated): gnomAD 0.00001; gnomAD exomes 0.00001; ExAC 0.00002.
gnomAD v4.1: 14 of 1,613,968 alleles (0.00087%); highest among the groups gnomAD compares: Non-Finnish European, 0.00042%; no homozygotes.

Submissions (2):

Labcorp Genetics (formerly Invitae), Labcorp
Classification: Likely benign. Last evaluated: 2025-12-01. Review status: criteria provided, single submitter. Criteria: Invitae Variant Classification Sherloc (09022015). Collection method: clinical testing. Allele origin: germline.

PreventionGenetics, part of Exact Sciences
Classification: Likely benign for C1S-related condition. Last evaluated: 2021-03-03. Review status: no assertion criteria provided. Collection method: clinical testing. Allele origin: germline. Not counted in ClinVar's aggregate classification.
Comment: This variant is classified as likely benign based on ACMG/AMP sequence variant interpretation guidelines (Richards et al. 2015 PMID: 25741868, with internal and published modifications).

NM_001734.5(C1S):c.1992C>G (p.Leu664=)

Gene: C1S (complement C1s; plus strand). Cytogenetic location: 12p13.31.
Variant type: single nucleotide variant.
Coding change: c.1992C>G on transcript NM_001734.5 (MANE Select); coding-DNA position 1992, C replaced by G.
Protein change: p.Leu664=; no amino-acid change (leucine 664 retained).
Molecular consequence: synonymous variant.
Genome position (GRCh38, 1-based): chr12:7,070,576, C>G. VCF-style: chr12-7070576-C-G. GRCh37 (hg19) VCF-style: chr12-7177880-C-G.
Other names: c.1491C>G, p.Leu497= (NM_001346850.2); c.1992C>G, p.Leu664= (NM_201442.4).
Identifiers: ClinVar variation 3030298 (VCV003030298.3), dbSNP rs782399643, ClinGen allele CA6423868.